The following is an entry in ClinVar:

ClinVar aggregate classification (germline): Uncertain significance (1 of 4 stars; one submission).

Submission:

CeGaT Center for Human Genetics Tuebingen
Classification: Uncertain significance. Last evaluated: 2024-11-01. Review status: criteria provided, single submitter. Criteria: CeGaT Center For Human Genetics Tuebingen Variant Classification Criteria Version 2. Collection method: clinical testing. Allele origin: germline. Affected: yes. Observed: 1 variant allele.
Comment: KIDINS220: PM2, PP3

NM_020738.4(KIDINS220):c.878C>T (p.Ala293Val)

Gene: KIDINS220 (kinase D interacting substrate 220; minus strand). Cytogenetic location: 2p25.1.
Variant type: single nucleotide variant.
Coding change: c.878C>T on transcript NM_020738.4 (MANE Select); coding-DNA position 878, C replaced by T.
Protein change: p.Ala293Val; replaces alanine 293 with valine.
Molecular consequence: missense variant. On other transcripts: non-coding transcript variant (2).
Genome position (GRCh38, 1-based): chr2:8,800,422, G>A on the plus strand (C>T on the coding strand, the complement: KIDINS220 is on the minus strand). VCF-style: chr2-8800422-G-A. GRCh37 (hg19) VCF-style: chr2-8940552-G-A.
Other names: c.878C>T, p.Ala293Val (NM_001348743.2, NM_001348735.2, NM_001348738.2 and 3 more transcripts); c.881C>T, p.Ala294Val (NM_001348745.2, NM_001348734.2, NM_001348739.2 and 3 more transcripts); c.752C>T, p.Ala251Val (NM_001348736.2); short protein forms A251V, A293V, A294V.
Identifiers: ClinVar variation 3390024 (VCV003390024.14).